The following is an entry in ClinVar:

ClinVar aggregate classification (germline): Uncertain significance (1 of 4 stars; one submission).

Conditions:
Hypertrophic cardiomyopathy. Also called: HYPERTROPHIC MYOCARDIOPATHY. Identifiers: Orphanet 217569, MedGen C0007194, MeSH D002312, MONDO:0005045, HP:0001639.

Submission:

Labcorp Genetics (formerly Invitae), Labcorp
Classification: Uncertain significance for Hypertrophic cardiomyopathy. Last evaluated: 2022-03-03. Review status: criteria provided, single submitter. Criteria: Invitae Variant Classification Sherloc (09022015). Collection method: clinical testing. Allele origin: germline.
Comment: This sequence change replaces isoleucine, which is neutral and non-polar, with asparagine, which is neutral and polar, at codon 192 of the MYL3 protein (p.Ile192Asn). In summary, the available evidence is currently insufficient to determine the role of this variant in disease. Therefore, it has been classified as a Variant of Uncertain Significance. Algorithms developed to predict the effect of missense changes on protein structure and function are either unavailable or do not agree on the potential impact of this missense change (SIFT: "Deleterious"; PolyPhen-2: "Probably Damaging"; Align-GVGD: "Class C0"). This variant has not been reported in the literature in individuals affected with MYL3-related conditions. This variant is present in population databases (no rsID available, gnomAD 0.003%).

NM_000258.3(MYL3):c.575T>A (p.Ile192Asn)

Gene: MYL3 (myosin light chain 3; minus strand). Cytogenetic location: 3p21.31.
Variant type: single nucleotide variant.
Coding change: c.575T>A on transcript NM_000258.3 (MANE Select); coding-DNA position 575, T replaced by A.
Protein change: p.Ile192Asn; replaces isoleucine 192 with asparagine.
Molecular consequence: missense variant.
Genome position (GRCh38, 1-based): chr3:46,858,257, A>T on the plus strand (T>A on the coding strand, the complement: MYL3 is on the minus strand). VCF-style: chr3-46858257-A-T. GRCh37 (hg19) VCF-style: chr3-46899747-A-T.
Other names: c.575T>A, p.Ile192Asn (NM_001406937.1, NM_001406938.1, NM_001406939.1); c.401T>A, p.Ile134Asn (NM_001406940.1); c.386T>A, p.Ile129Asn (NM_001406941.1); short protein forms I129N, I134N, I192N.
Identifiers: ClinVar variation 2105706 (VCV002105706.4), dbSNP rs1179240189, ClinGen allele CA352495092.
Genomic context (GRCh38, chr3:46,858,257, plus strand): 5'-GCAGCAGCGGGTTCAGGAGGGAGTGGGTGCCTACCTGGGCACGAGGTTTAGCTGGACATG[A>T]TGTGCTTCACAAATGCTGGAAAGAAGAGGAGAGTGAGTGGCAGGAGTGCAACATGGGGAA-3'
Protein context (NP_000249.1, residues 182-195): CINYEAFVKH[Ile192Asn]MSS